The following is an entry in ClinVar:

NM_000361.3(THBD):c.302G>A (p.Arg101His)

Gene: THBD (thrombomodulin; minus strand). Cytogenetic location: 20p11.21.
Variant type: single nucleotide variant.
Coding change: c.302G>A on transcript NM_000361.3 (MANE Select); coding-DNA position 302, G replaced by A.
Protein change: p.Arg101His; replaces arginine 101 with histidine.
Molecular consequence: missense variant.
Genome position (GRCh38, 1-based): chr20:23,049,203, C>T on the plus strand (G>A on the coding strand, the complement: THBD is on the minus strand). VCF-style: chr20-23049203-C-T. GRCh37 (hg19) VCF-style: chr20-23029840-C-T.
Other names: short protein forms R101H.
Identifiers: ClinVar variation 4823428 (VCV004823428.4).
Genomic context (GRCh38, chr20:23,049,203, plus strand): 5'-CTGCTATAGCTGGTGTTGTTGTCTCCCGTAACCCACTGGAAGCCGCGCAGGGGCCCGAGG[C>T]GCTTGGGGTCGCCGCAGCCGGGTGGCAGCTGCAGGCCGATCCAGAGGCGCCGGCGGCCAA-3'
Protein context (NP_000352.1, residues 91-111): QLPPGCGDPK[Arg101His]LGPLRGFQWV

ClinVar aggregate classification (germline): Uncertain significance (1 of 4 stars; one submission).

Submission:

CeGaT Center for Human Genetics Tuebingen
Classification: Uncertain significance. Last evaluated: 2026-02-01. Review status: criteria provided, single submitter. Criteria: CeGaT Center For Human Genetics Tuebingen Variant Classification Criteria Version 2. Collection method: clinical testing. Allele origin: germline. Affected: yes. Observed: 1 variant allele.
Comment: THBD: PM2, BP4